The following is an entry in ClinVar:

ClinVar aggregate classification (germline): Pathogenic (1 of 4 stars; one submission).

Submission:

Labcorp Genetics (formerly Invitae), Labcorp
Classification: Pathogenic. Last evaluated: 2022-11-19. Review status: criteria provided, single submitter. Criteria: Invitae Variant Classification Sherloc (09022015). Collection method: clinical testing. Allele origin: germline.
Comment: For these reasons, this variant has been classified as Pathogenic. This variant has not been reported in the literature in individuals affected with NR2E3-related conditions. This variant is not present in population databases (gnomAD no frequency). This sequence change creates a premature translational stop signal (p.Leu336Alafs*2) in the NR2E3 gene. It is expected to result in an absent or disrupted protein product. Loss-of-function variants in NR2E3 are known to be pathogenic (PMID: 15459973, 27522502).

Literature cited by the submitters: PubMed 15459973; PubMed 27522502.

NM_014249.4(NR2E3):c.1003_1004dup (p.Leu336fs)

Gene: NR2E3 (nuclear receptor subfamily 2 group E member 3; plus strand). Cytogenetic location: 15q23.
Variant type: Duplication.
Coding change: c.1003_1004dup on transcript NM_014249.4 (MANE Select); coding-DNA positions 1003 to 1004, 2 bases duplicated (GG; older notation c.1003_1004dupGG).
Protein change: p.Leu336fs; shifts the reading frame from leucine 336.
Molecular consequence: frameshift variant.
Genome position (GRCh38, 1-based): chr15:71,814,020-71,814,021, GG duplicated; duplicating any 2 consecutive bases within chr15:71,814,018-71,814,021 gives the same sequence; the c. name uses the placement nearest the transcript's 3' end. VCF-style (leftmost placement, unchanged base first): chr15-71814017-C-CGG. GRCh37 (hg19) VCF-style: chr15-72106358-C-CGG.
Other names: c.1003_1004dup, p.Leu336fs (NM_016346.4); short protein forms L336fs.
Identifiers: ClinVar variation 2815187 (VCV002815187.3), dbSNP rs2543257167, ClinGen allele CA2739269531.